The following is an entry in ClinVar:

ClinVar aggregate classification (germline): Uncertain significance (1 of 4 stars; one submission).

Conditions:
Hereditary cancer-predisposing syndrome. Also called: Tumor predisposition; Hereditary neoplastic syndrome; Hereditary Cancer Syndrome; Neoplastic Syndromes, Hereditary. Identifiers: Orphanet 140162, MedGen C0027672, MeSH D009386, MONDO:0015356.

Submission:

Ambry Genetics
Classification: Uncertain significance for Hereditary cancer-predisposing syndrome. Last evaluated: 2025-04-23. Review status: criteria provided, single submitter. Criteria: Ambry Variant Classification Scheme 2023. Collection method: clinical testing. Allele origin: germline.
Comment: The p.K13M variant (also known as c.38A>T), located in coding exon 2 of the PMS2 gene, results from an A to T substitution at nucleotide position 38. The lysine at codon 13 is replaced by methionine, an amino acid with similar properties. This amino acid position is conserved. In addition, the in silico prediction for this alteration is inconclusive. Based on the available evidence, the clinical significance of this variant remains unclear.

NM_000535.7(PMS2):c.38A>T (p.Lys13Met)

Gene: PMS2 (PMS1 homolog 2, mismatch repair system component; minus strand). Cytogenetic location: 7p22.1.
Variant type: single nucleotide variant.
Coding change: c.38A>T on transcript NM_000535.7 (MANE Select); coding-DNA position 38, A replaced by T.
Protein change: p.Lys13Met; replaces lysine 13 with methionine.
Molecular consequence: missense variant. On other transcripts: 5 prime UTR variant (38), non-coding transcript variant (1), intron variant (7).
Genome position (GRCh38, 1-based): chr7:6,006,017, T>A on the plus strand (A>T on the coding strand, the complement: PMS2 is on the minus strand). VCF-style: chr7-6006017-T-A. GRCh37 (hg19) VCF-style: chr7-6045648-T-A.
Other names: c.-368A>T (NM_001322003.2, NM_001322005.2, NM_001322009.2 and 10 more transcripts); c.38A>T, p.Lys13Met (NM_001322006.2, NM_001322014.2, NM_001406868.1 and 10 more transcripts); c.-178A>T (NM_001322007.2, NM_001406876.1, NM_001406883.1 and 4 more transcripts); c.-847A>T (NM_001322011.2, NM_001322012.2); c.-447A>T (NM_001322015.2, NM_001406875.1, NM_001406877.1 and 2 more transcripts); c.224A>T, p.Lys75Met (NM_001406866.1); c.-394A>T (NM_001406880.1); c.-315A>T (NM_001406888.1, NM_001406889.1, NM_001406892.1 and 5 more transcripts); and 7 more; short protein forms K13M, K75M.
Identifiers: ClinVar variation 3935126 (VCV003935126.1).